The following is an entry in ClinVar:

ClinVar aggregate classification (germline): Likely benign (1 of 4 stars; one submission).

gnomAD v4.1: 1 of 1,613,736 alleles (0.000062%); highest among the groups gnomAD compares: Non-Finnish European, 0.000085%; no homozygotes.

Submission:

CeGaT Center for Human Genetics Tuebingen
Classification: Likely benign. Last evaluated: 2026-03-01. Review status: criteria provided, single submitter. Criteria: CeGaT Center For Human Genetics Tuebingen Variant Classification Criteria Version 2. Collection method: clinical testing. Allele origin: germline. Affected: yes. Observed: 1 variant allele.
Comment: DNAH1: BP4, BP7

NM_015512.5(DNAH1):c.4416T>C (p.Asp1472=)

Gene: DNAH1 (dynein axonemal heavy chain 1; plus strand). Cytogenetic location: 3p21.1.
Variant type: single nucleotide variant.
Coding change: c.4416T>C on transcript NM_015512.5 (MANE Select); coding-DNA position 4416, T replaced by C.
Protein change: p.Asp1472=; no amino-acid change (aspartic acid 1472 retained).
Molecular consequence: synonymous variant.
Genome position (GRCh38, 1-based): chr3:52,359,924, T>C. VCF-style: chr3-52359924-T-C. GRCh37 (hg19) VCF-style: chr3-52393940-T-C.
Identifiers: ClinVar variation 4874459 (VCV004874459.2).
Genomic context (GRCh38, chr3:52,359,924, plus strand): 5'-GTGAGCCTCCTCGTGGTACCCTGATGTTTGACAGTGCACCCCATTTCTGCAGCTCAGTGA[T>C]CTGGTGGCCCTTGTGCGGGGGAAGCTGTCCCGCATGCAGCGGGCAGTGCTGTCAGCGCTA-3'
Protein context (NP_056327.4, residues 1462-1482): LFPQLCQQLS[Asp1472=]LVALVRGKLS